The following is an entry in ClinVar:

ClinVar aggregate classification (germline): Benign (1 of 4 stars; one submission).

Submission:

CeGaT Center for Human Genetics Tuebingen
Classification: Benign. Last evaluated: 2022-11-01. Review status: criteria provided, single submitter. Criteria: CeGaT Center For Human Genetics Tuebingen Variant Classification Criteria Version 2. Collection method: clinical testing. Allele origin: germline. Affected: yes. Observed: 2 variant alleles.
Comment: GSE1: BS1, BS2

NM_014615.5(GSE1):c.1029CGAGCG[1] (p.339RE[5])

Gene: GSE1 (Gse1 coiled-coil protein; plus strand). Cytogenetic location: 16q24.1.
Variant type: Microsatellite.
Coding change: c.1029CGAGCG[1] on transcript NM_014615.5 (MANE Select); one copy of the 6-base unit CGAGCG starting at c.1029; the reference has three copies in a row; two copies, 12 bases deleted.
Protein change: p.339RE[5].
Molecular consequence: inframe deletion.
Genome position (GRCh38, 1-based): chr16:85,656,388-85,656,399, CGAGCGCGAGCG deleted; deleting any 12 consecutive bases within chr16:85,656,377-85,656,399 gives the same sequence; the position shown is the placement nearest the transcript's 3' end. VCF-style (leftmost placement, unchanged base first): chr16-85656376-GGAGCGCGAGCGC-G. GRCh37 (hg19) VCF-style: chr16-85689982-GGAGCGCGAGCGC-G.
Other names: c.717CGAGCG[1], p.235RE[5] (NM_001134473.3); c.810CGAGCG[1], p.266RE[5] (NM_001278184.3).
Identifiers: ClinVar variation 2646935 (VCV002646935.24), dbSNP rs3833833, ClinGen allele CA8214465.
Genomic context (GRCh38, chr16:85,656,376, plus strand): 5'-GCCCCCAACTCTTTCCATGTGCTGCAGGCTGCAGATGGACGAGGAGCTAAGGCGGGAGAG[GGAGCGCGAGCGC>G]GAGCGCGAGCGTGAGCGTGAGGCTGACCGCGAGCGGGAGAAGGAACGTGAGCGCGAACGC-3'